The following is an entry in ClinVar:

ClinVar aggregate classification (germline): Uncertain significance (1 of 4 stars; one submission).

Conditions:
Brugada syndrome 8 (BRGDA8). Identifiers: Orphanet 130, MedGen C2751083, MONDO:0013148, OMIM 613123.

Allele frequency attached by ClinVar (database versions not stated): gnomAD exomes below 0.00001.
gnomAD v4.1: 2 of 1,604,940 alleles (0.00012%); highest among the groups gnomAD compares: Admixed American, 0.0017%; no homozygotes.

Submission:

Labcorp Genetics (formerly Invitae), Labcorp
Classification: Uncertain significance for Brugada syndrome 8. Last evaluated: 2023-07-06. Review status: criteria provided, single submitter. Criteria: Invitae Variant Classification Sherloc (09022015). Collection method: clinical testing. Allele origin: germline.
Comment: This sequence change replaces leucine, which is neutral and non-polar, with methionine, which is neutral and non-polar, at codon 871 of the HCN4 protein (p.Leu871Met). The frequency data for this variant in the population databases is considered unreliable, as metrics indicate poor data quality at this position in the gnomAD database. This variant has not been reported in the literature in individuals affected with HCN4-related conditions. Advanced modeling of protein sequence and biophysical properties (such as structural, functional, and spatial information, amino acid conservation, physicochemical variation, residue mobility, and thermodynamic stability) performed at Invitae indicates that this missense variant is not expected to disrupt HCN4 protein function. In summary, the available evidence is currently insufficient to determine the role of this variant in disease. Therefore, it has been classified as a Variant of Uncertain Significance.

NM_005477.3(HCN4):c.2611C>A (p.Leu871Met)

Gene: HCN4 (hyperpolarization activated cyclic nucleotide gated potassium channel 4; minus strand). Cytogenetic location: 15q24.1.
Variant type: single nucleotide variant.
Coding change: c.2611C>A on transcript NM_005477.3 (MANE Select); coding-DNA position 2611, C replaced by A.
Protein change: p.Leu871Met; replaces leucine 871 with methionine.
Molecular consequence: missense variant.
Genome position (GRCh38, 1-based): chr15:73,323,482, G>T on the plus strand (C>A on the coding strand, the complement: HCN4 is on the minus strand). VCF-style: chr15-73323482-G-T. GRCh37 (hg19) VCF-style: chr15-73615823-G-T.
Other names: short protein forms L871M.
Identifiers: ClinVar variation 2783024 (VCV002783024.3), dbSNP rs1395315928, ClinGen allele CA393088555.